The following is an entry in ClinVar:

ClinVar aggregate classification (germline): Pathogenic. Review status: criteria provided, multiple submitters, no conflicts (2 of 4 stars). 7 submissions from 6 submitters: Pathogenic (4). 3 of the submissions do not count toward it. Last evaluated 2024-03-25.

Conditions:
Premature ovarian failure 19. Identifiers: MedGen C5543229, MONDO:0030985, OMIM 619245.
Intellectual disability. Also called: Intellectual developmental disorder; Intellectual functioning disability; intellectual disabilities. Identifiers: MedGen C3714756, MeSH D008607, MONDO:0001071, HP:0001249.
Autism (AUTS). Also called: Autistic disorder; Autistic disorder of childhood onset. Identifiers: MedGen C0004352, MeSH D001321, MONDO:0005260, OMIM 209850, HP:0000717.
Intellectual developmental disorder, autosomal recessive 3. Also called: Intellectual disability, autosomal recessive 3. Identifiers: Orphanet 88616, MedGen C1838023, MONDO:0012037, OMIM 608443.

gnomAD v4.1: 1 of 1,599,138 alleles (0.000063%); highest among the groups gnomAD compares: Middle Eastern, 0.017%; no homozygotes.

Submissions (7):

Genomic Medicine Center of Excellence, King Faisal Specialist Hospital and Research Centre
Classification: Pathogenic for Intellectual developmental disorder, autosomal recessive 3. Last evaluated: 2024-03-25. Review status: criteria provided, single submitter. Criteria: ACMG Guidelines, 2015. Collection method: clinical testing. Allele origin: germline.

GeneDx
Classification: Pathogenic. Last evaluated: 2022-04-29. Review status: criteria provided, single submitter. Criteria: GeneDx Variant Classification Process June 2021. Collection method: clinical testing. Allele origin: germline. Affected: yes.
Comment: Canonical splice site variant predicted to result in a null allele in a gene for which loss of function is a known mechanism of disease and demonstrated complete skipping of exon 6, leading to a premature stop codon (Manzini et al., 2014); Not observed at significant frequency in large population cohorts (gnomAD); This variant is associated with the following publications: (PMID: 25066123, 28454995, 31130284, 32552793)

Baylor Genetics
Classification: Pathogenic for Intellectual developmental disorder, autosomal recessive 3. Last evaluated: 2019-11-26. Review status: criteria provided, single submitter. Criteria: ACMG Guidelines, 2015. Collection method: clinical testing. Allele origin: unknown. Affected: yes.
Comment: This variant was determined to be pathogenic according to ACMG Guidelines, 2015 [PMID:25741868].

Laboratory for Molecular Medicine, Mass General Brigham Personalized Medicine
Classification: Pathogenic for Mental Retardation, Psychosocial. Last evaluated: 2015-07-15. Review status: criteria provided, single submitter. Criteria: LMM Criteria. Collection method: clinical testing. Allele origin: germline. Inheritance: Autosomal recessive inheritance. Observed: 5 variant alleles.
Comment: The c.748+1G>T variant in CC2D1A has been reported in 2 Saudi Arabian families w ith spectrum of neurodevelopmental phenotypes, including nonsyndromic intellectu al disability, language impairment, autism spectrum disorder and seizures (Manzi ni 2014). The variant segregated with disease in a reccessive manner in a total of 11 individuals from both families and was absent from large population studie s. This variant occurs in the invariant region (+/- 1,2) of the splice consensus sequence and was shown to cause skipping of exon 6, resulting in complete loss of CC2D1A protein expression (Manzini 2014). In summary, this variant meets our criteria to be classified as pathogenic for nonsyndromic intellectual disability with or without seizures in an autosomal recessive manner (. org/personalizedmedicine/LMM) based upon segregation studies, absence from contr ols and functional studies.

Biochemical Molecular Genetic Laboratory, King Abdulaziz Medical City
Classification: Pathogenic for Intellectual developmental disorder, autosomal recessive 3. Last evaluated: 2019-09-26. Review status: no assertion criteria provided. Collection method: clinical testing. Allele origin: germline. Affected: yes. Not counted in ClinVar's aggregate classification.

Centre for Addiction & Mental Health
Classification: Likely pathogenic for Autism. Review status: no assertion criteria provided. Collection method: research. Allele origin: biparental. Affected: yes. Observed: 1 homozygote. Segregation with disease observed. Not counted in ClinVar's aggregate classification.
Comment: Putative loss-of-function variant, biallelic, in known disease gene; effect of canonical splice donor variant not yet validated

Genomic Medicine Center of Excellence, King Faisal Specialist Hospital and Research Centre
Classification: Uncertain significance for Premature ovarian failure 19. Last evaluated: 2024-03-25. Review status: flagged submission. Criteria: ACMG Guidelines, 2015. Collection method: clinical testing. Allele origin: germline. Not counted in ClinVar's aggregate classification.
ClinVar note: Reason: Unnecessary conflicting claim for distinct condition when other classifications are more relevant

Literature cited by the submitters: PubMed 25066123 (cited by Laboratory for Molecular Medicine, Mass General Brigham Personalized Medicine).

NM_017721.5(CC2D1A):c.748+1G>T

Genes: BRME1 (break repair meiotic recombinase recruitment factor 1; minus strand), CC2D1A (coiled-coil and C2 domain containing 1A; plus strand). Cytogenetic location: 19p13.12.
Variant type: single nucleotide variant.
Coding change: c.748+1G>T on transcript NM_017721.5 (MANE Select); the canonical splice donor site of the intron after coding-DNA position 748, G replaced by T.
Molecular consequence: splice donor variant.
Genome position (GRCh38, 1-based): chr19:13,913,639, G>T. VCF-style: chr19-13913639-G-T. GRCh37 (hg19) VCF-style: chr19-14024452-G-T.
Other names: c.748+1G>T (NM_001411138.1).
Identifiers: ClinVar variation 228325 (VCV000228325.14), dbSNP rs876657679, ClinGen allele CA10577094.
Genomic context (GRCh38, chr19:13,913,639, plus strand): 5'-GACCTTCTGCCACCGCCCCAGCCTCATCTCCAGGCTTGGCTAAGCCCCAGATGCCCCCAG[G>T]TAGGTGATGGGCAGGGCCGGGCTGATATGGGATCCGAGTGGGCCATCTGGCAGGATGCTG-3'